The following is an entry in ClinVar:

ClinVar aggregate classification (germline): Uncertain significance (1 of 4 stars; one submission).

Submission:

Labcorp Genetics (formerly Invitae), Labcorp
Classification: Uncertain significance. Last evaluated: 2025-10-06. Review status: criteria provided, single submitter. Criteria: Invitae Variant Classification Sherloc (09022015). Collection method: clinical testing. Allele origin: germline.
Comment: This sequence change replaces aspartic acid, which is acidic and polar, with asparagine, which is neutral and polar, at codon 2698 of the DCHS1 protein (p.Asp2698Asn). This variant is not present in population databases (gnomAD no frequency). This variant has not been reported in the literature in individuals affected with DCHS1-related conditions. Invitae Evidence Modeling of protein sequence and biophysical properties (such as structural, functional, and spatial information, amino acid conservation, physicochemical variation, residue mobility, and thermodynamic stability) has been performed for this missense variant. However, the output from this modeling did not meet the statistical confidence thresholds required to predict the impact of this variant on DCHS1 protein function. In summary, the available evidence is currently insufficient to determine the role of this variant in disease. Therefore, it has been classified as a Variant of Uncertain Significance.

NM_003737.4(DCHS1):c.8092G>A (p.Asp2698Asn)

Gene: DCHS1 (dachsous cadherin-related 1; minus strand). Cytogenetic location: 11p15.4.
Variant type: single nucleotide variant.
Coding change: c.8092G>A on transcript NM_003737.4 (MANE Select); coding-DNA position 8092, G replaced by A.
Protein change: p.Asp2698Asn; replaces aspartic acid 2698 with asparagine.
Molecular consequence: missense variant.
Genome position (GRCh38, 1-based): chr11:6,623,584, C>T on the plus strand (G>A on the coding strand, the complement: DCHS1 is on the minus strand). VCF-style: chr11-6623584-C-T. GRCh37 (hg19) VCF-style: chr11-6644815-C-T.
Other names: short protein forms D2698N.
Identifiers: ClinVar variation 4744117 (VCV004744117.1).